The following is an entry in ClinVar:

NM_000075.4(CDK4):c.522+7A>G

Gene: CDK4 (cyclin dependent kinase 4; minus strand). Cytogenetic location: 12q14.1.
Variant type: single nucleotide variant.
Coding change: c.522+7A>G on transcript NM_000075.4 (MANE Select); 7 bases into the intron after coding-DNA position 522, A replaced by G.
Molecular consequence: intron variant.
Genome position (GRCh38, 1-based): chr12:57,750,916, T>C on the plus strand (A>G on the coding strand, the complement: CDK4 is on the minus strand). VCF-style: chr12-57750916-T-C. GRCh37 (hg19) VCF-style: chr12-58144699-T-C.
Identifiers: ClinVar variation 753802 (VCV000753802.11), dbSNP rs1294665075, ClinGen allele CA605706287.

ClinVar aggregate classification (germline): Likely benign. Review status: criteria provided, multiple submitters, no conflicts (2 of 4 stars). 2 submissions from 2 submitters: Likely benign (2). Last evaluated 2025-01-06.

Conditions:
Familial melanoma. Also called: Hereditary melanoma; Hereditary cutaneous melanoma. Identifiers: Orphanet 618, MedGen C1512419, MONDO:0018961.
Melanoma, cutaneous malignant, susceptibility to, 3. Also called: Cutaneous malignant melanoma 3. Identifiers: Orphanet 618, MedGen C1836892, MONDO:0012183, OMIM 609048.

Allele frequency attached by ClinVar (database versions not stated): gnomAD exomes below 0.00001.
gnomAD v4.1: 1 of 1,614,180 alleles (0.000062%); highest among the groups gnomAD compares: Non-Finnish European, 0.000085%; no homozygotes.

Submissions (2):

Labcorp Genetics (formerly Invitae), Labcorp
Classification: Likely benign for Familial melanoma. Last evaluated: 2025-01-06. Review status: criteria provided, single submitter. Criteria: Invitae Variant Classification Sherloc (09022015). Collection method: clinical testing. Allele origin: germline.

Myriad Genetics, Inc.
Classification: Likely benign for Melanoma, cutaneous malignant, susceptibility to, 3. Last evaluated: 2024-09-25. Review status: criteria provided, single submitter. Criteria: Myriad Autosomal Dominant, Autosomal Recessive and X-Linked Classification Criteria (2023). Collection method: clinical testing. Allele origin: unknown.
Comment: This variant is considered likely benign. This variant is intronic and is not expected to impact mRNA splicing.